The following is an entry in ClinVar:

NM_005585.5(SMAD6):c.533C>A (p.Ser178Ter)

Gene: SMAD6 (SMAD family member 6; plus strand). Cytogenetic location: 15q22.31.
Variant type: single nucleotide variant.
Coding change: c.533C>A on transcript NM_005585.5 (MANE Select); coding-DNA position 533, C replaced by A.
Protein change: p.Ser178Ter; replaces serine 178 with a stop codon.
Molecular consequence: nonsense. On other transcripts: non-coding transcript variant (1).
Genome position (GRCh38, 1-based): chr15:66,703,791, C>A. VCF-style: chr15-66703791-C-A. GRCh37 (hg19) VCF-style: chr15-66996129-C-A.
Other names: c.533C>A (NM_005585.4); short protein forms S178*.
Identifiers: ClinVar variation 2174220 (VCV002174220.6), dbSNP rs776347265, ClinGen allele CA392949739.

ClinVar aggregate classification (germline): Conflicting classifications of pathogenicity. Review status: criteria provided, conflicting classifications (1 of 4 stars). 3 submissions from 3 submitters: Pathogenic (1); Uncertain significance (2). Last evaluated 2026-01-19.

Conditions:
Aortic valve disease 2 (AOVD2). Identifiers: MedGen C3542024, MONDO:0013902, OMIM 614823.
Inborn genetic diseases. Identifiers: MedGen C0950123, MeSH D030342.

gnomAD v4.1: 2 of 1,441,246 alleles (0.00014%); highest among the groups gnomAD compares: Non-Finnish European, 0.00018%; no homozygotes.

Submissions (3):

Labcorp Genetics (formerly Invitae), Labcorp
Classification: Uncertain significance for Aortic valve disease 2. Last evaluated: 2026-01-19. Review status: criteria provided, single submitter. Criteria: Invitae Variant Classification Sherloc (09022015). Collection method: clinical testing. Allele origin: germline.
Comment: This sequence change creates a premature translational stop signal (p.Ser178*) in the SMAD6 gene. It is expected to result in an absent or disrupted protein product. However, the current clinical and genetic evidence is not sufficient to establish whether loss-of-function variants in SMAD6 cause disease. This variant is not present in population databases (gnomAD no frequency). This variant has not been reported in the literature in individuals affected with SMAD6-related conditions. ClinVar contains an entry for this variant (Variation ID: 2174220). In summary, the available evidence is currently insufficient to determine the role of this variant in disease. Therefore, it has been classified as a Variant of Uncertain Significance.

Ambry Genetics
Classification: Pathogenic for Inborn genetic diseases. Last evaluated: 2023-12-14. Review status: criteria provided, single submitter. Criteria: Ambry Variant Classification Scheme 2023. Collection method: clinical testing. Allele origin: germline.
Comment: The c.533C>A (p.S178*) alteration, located in exon 1 (coding exon 1) of the SMAD6 gene, consists of a C to A substitution at nucleotide position 533. This changes the amino acid from a serine (S) to a stop codon at amino acid position 178. This alteration is expected to result in loss of function by premature protein truncation or nonsense-mediated mRNA decay. This variant was not reported in population-based cohorts in the Genome Aggregation Database (gnomAD). Based on the available evidence, this alteration is classified as pathogenic.

Blueprint Genetics
Classification: Uncertain significance. Last evaluated: 2019-04-29. Review status: criteria provided, single submitter. Criteria: ACMG Guidelines, 2015. Collection method: clinical testing. Allele origin: germline.